The following is an entry in ClinVar:

ClinVar aggregate classification (germline): Uncertain significance. Review status: criteria provided, multiple submitters, no conflicts (2 of 4 stars). 2 submissions from 2 submitters: Uncertain significance (2). Last evaluated 2025-01-07.

Conditions:
Cutis laxa, autosomal recessive, type 1B (ARCL1B). Also called: EFEMP2-Related Cutis Laxa; CUTIS LAXA, AUTOSOMAL RECESSIVE, TYPE IB. Identifiers: Orphanet 90349, MedGen C3280798, MONDO:0013754, OMIM 614437. Disease mechanism: loss of function.
Cardiovascular phenotype. Identifiers: MedGen CN230736.

Allele frequency attached by ClinVar (database versions not stated): gnomAD exomes below 0.00001.

Submissions (2):

Ambry Genetics
Classification: Uncertain significance for Cardiovascular phenotype. Last evaluated: 2025-01-07. Review status: criteria provided, single submitter. Criteria: Ambry Variant Classification Scheme 2023. Collection method: clinical testing. Allele origin: germline.
Comment: The p.I284T variant (also known as c.851T>C), located in coding exon 8 of the EFEMP2 gene, results from a T to C substitution at nucleotide position 851. The isoleucine at codon 284 is replaced by threonine, an amino acid with similar properties. This amino acid position is conserved. In addition, this alteration is predicted to be deleterious by in silico analysis. Based on the available evidence, the clinical significance of this variant remains unclear.

Labcorp Genetics (formerly Invitae), Labcorp
Classification: Uncertain significance for Cutis laxa, autosomal recessive, type 1B. Last evaluated: 2019-06-22. Review status: criteria provided, single submitter. Criteria: Invitae Variant Classification Sherloc (09022015). Collection method: clinical testing. Allele origin: germline.
Comment: In summary, the available evidence is currently insufficient to determine the role of this variant in disease. Therefore, it has been classified as a Variant of Uncertain Significance. Algorithms developed to predict the effect of missense changes on protein structure and function (SIFT, PolyPhen-2, Align-GVGD) all suggest that this variant is likely to be disruptive, but these predictions have not been confirmed by published functional studies and their clinical significance is uncertain. This sequence change replaces isoleucine with threonine at codon 284 of the EFEMP2 protein (p.Ile284Thr). The isoleucine residue is highly conserved and there is a moderate physicochemical difference between isoleucine and threonine. This variant is not present in population databases (ExAC no frequency). This variant has not been reported in the literature in individuals with EFEMP2-related conditions.

NM_016938.5(EFEMP2):c.851T>C (p.Ile284Thr)

Gene: EFEMP2 (EGF-like fibulin extracellular matrix protein 2; minus strand). Cytogenetic location: 11q13.1.
Variant type: single nucleotide variant.
Coding change: c.851T>C on transcript NM_016938.5 (MANE Select); coding-DNA position 851, T replaced by C.
Protein change: p.Ile284Thr; replaces isoleucine 284 with threonine.
Molecular consequence: missense variant. On other transcripts: non-coding transcript variant (1).
Genome position (GRCh38, 1-based): chr11:65,868,418, A>G on the plus strand (T>C on the coding strand, the complement: EFEMP2 is on the minus strand). VCF-style: chr11-65868418-A-G. GRCh37 (hg19) VCF-style: chr11-65635889-A-G.
Other names: short protein forms I284T.
Identifiers: ClinVar variation 938506 (VCV000938506.10), dbSNP rs1859902632, ClinGen allele CA381354134.